The following is an entry in ClinVar:

ClinVar aggregate classification (germline): Uncertain significance. Review status: criteria provided, multiple submitters, no conflicts (2 of 4 stars). 2 submissions from 2 submitters: Uncertain significance (2). Last evaluated 2025-03-22.

Conditions:
Multiple endocrine neoplasia, type 2 (MEN2). Identifiers: Orphanet 653, MedGen C4048306, MONDO:0019003. Disease mechanism: gain of function.
Hereditary cancer-predisposing syndrome. Also called: Neoplastic Syndromes, Hereditary; Hereditary Cancer Syndrome; Hereditary neoplastic syndrome; Tumor predisposition. Identifiers: Orphanet 140162, MedGen C0027672, MeSH D009386, MONDO:0015356.

Submissions (2):

Ambry Genetics
Classification: Uncertain significance for Hereditary cancer-predisposing syndrome. Last evaluated: 2025-03-22. Review status: criteria provided, single submitter. Criteria: Ambry Variant Classification Scheme 2023. Collection method: clinical testing. Allele origin: germline.
Comment: The p.G605V variant (also known as c.1814G>T), located in coding exon 10 of the RET gene, results from a G to T substitution at nucleotide position 1814. The glycine at codon 605 is replaced by valine, an amino acid with dissimilar properties. This amino acid position is conserved. In addition, this alteration is predicted to be deleterious by in silico analysis. Based on the available evidence, the clinical significance of this variant remains unclear.

Labcorp Genetics (formerly Invitae), Labcorp
Classification: Uncertain significance for Multiple endocrine neoplasia, type 2. Last evaluated: 2024-05-29. Review status: criteria provided, single submitter. Criteria: Invitae Variant Classification Sherloc (09022015). Collection method: clinical testing. Allele origin: germline.
Comment: This sequence change replaces glycine, which is neutral and non-polar, with valine, which is neutral and non-polar, at codon 605 of the RET protein (p.Gly605Val). This variant is not present in population databases (gnomAD no frequency). This variant has not been reported in the literature in individuals affected with RET-related conditions. ClinVar contains an entry for this variant (Variation ID: 477328). An algorithm developed to predict the effect of missense changes on protein structure and function (PolyPhen-2) suggests that this variant is likely to be disruptive. In summary, the available evidence is currently insufficient to determine the role of this variant in disease. Therefore, it has been classified as a Variant of Uncertain Significance.

NM_020975.6(RET):c.1814G>T (p.Gly605Val)

Gene: RET (ret proto-oncogene; plus strand). Cytogenetic location: 10q11.21.
Variant type: single nucleotide variant.
Coding change: c.1814G>T on transcript NM_020975.6 (MANE Select); coding-DNA position 1814, G replaced by T.
Protein change: p.Gly605Val; replaces glycine 605 with valine.
Molecular consequence: missense variant.
Genome position (GRCh38, 1-based): chr10:43,113,610, G>T. VCF-style: chr10-43113610-G-T. GRCh37 (hg19) VCF-style: chr10-43609058-G-T.
Other names: c.365G>T, p.Gly122Val (NM_001406793.1, NM_001406794.1, NM_001406792.1); c.1814G>T, p.Gly605Val (NM_020629.2, NM_020630.7, NM_000323.2 and 6 more transcripts); c.1052G>T, p.Gly351Val (NM_001355216.2); c.1685G>T, p.Gly562Val (NM_001406761.1, NM_001406762.1, NM_001406764.1 and 1 more transcripts); c.1526G>T, p.Gly509Val (NM_001406766.1, NM_001406767.1, NM_001406770.1); c.1418G>T, p.Gly473Val (NM_001406769.1, NM_001406772.1); c.1376G>T, p.Gly459Val (NM_001406771.1, NM_001406773.1); c.1289G>T, p.Gly430Val (NM_001406774.1); and 5 more; short protein forms G605V, G351V, G306V, G210V, G473V, G263V, G363V, G430V.
Identifiers: ClinVar variation 477328 (VCV000477328.10), dbSNP rs1031388542, ClinGen allele CA206262360.
Genomic context (GRCh38, chr10:43,113,610, plus strand): 5'-CCTCAGGGGGCAGCATTGTTGGGGGACACGAGCCTGGGGAGCCCCGGGGGATTAAAGCTG[G>T]CTATGGCACCTGCAACTGCTTCCCTGAGGAGGAGAAGTGCTTCTGCGAGCCCGAAGACAT-3'
Protein context (NP_066124.1, residues 595-615): EPGEPRGIKA[Gly605Val]YGTCNCFPEE